The following is an entry in ClinVar:

NM_001385079.1(PDE10A):c.393del (p.Ser132fs)

Gene: PDE10A (phosphodiesterase 10A; minus strand). Cytogenetic location: 6q27.
Variant type: Deletion.
Coding change: c.393del on transcript NM_001385079.1 (MANE Select); coding-DNA position 393, one base deleted (C; older notation c.393delC).
Protein change: p.Ser132fs; shifts the reading frame from serine 132.
Molecular consequence: frameshift variant.
Genome position (GRCh38, 1-based): chr6:165,662,419, G deleted on the plus strand (C on the coding strand, the reverse complement: PDE10A is on the minus strand); the first of 4 consecutive G bases (chr6:165,662,419-165,662,422); deleting any one gives the same sequence. VCF-style (leftmost placement, unchanged base first): chr6-165662418-AG-A. GRCh37 (hg19) VCF-style: chr6-166075906-AG-A.
Other names: short protein forms S132fs.
Identifiers: ClinVar variation 4681886 (VCV004681886.5).
Genomic context (GRCh38, chr6:165,662,418, plus strand): 5'-CCGCCGCCGCTGCGCCCTCCCTTCCTGGGAGACGCACGGGGAGGTGAAAGGCAGATGAGG[AG>A]GGGAGAAAAGAGGGAGGGGGCGGGGGGGGCGGCGGCCAGAAGTAAAAGAAAGATGGAGAG-3'

ClinVar aggregate classification (germline): Uncertain significance (1 of 4 stars; one submission).

Submission:

CeGaT Center for Human Genetics Tuebingen
Classification: Uncertain significance. Last evaluated: 2025-12-01. Review status: criteria provided, single submitter. Criteria: CeGaT Center For Human Genetics Tuebingen Variant Classification Criteria Version 2. Collection method: clinical testing. Allele origin: germline. Affected: yes. Observed: 1 variant allele.
Comment: PDE10A: PM2